The following is an entry in ClinVar:

ClinVar aggregate classification (germline): Benign. Review status: criteria provided, multiple submitters, no conflicts (2 of 4 stars). 9 submissions from 9 submitters: Benign (7). 2 of the submissions do not count toward it. Last evaluated 2026-02-04.

Conditions:
Neuropathy, hereditary sensory and autonomic, type 2A (HSAN2A). Also called: WNK1-Related HSAN2 (HSAN2A); HSAN IIA; ACROOSTEOLYSIS, GIACCAI TYPE; ACROOSTEOLYSIS, NEUROGENIC; MORVAN DISEASE; NEUROPATHY, CONGENITAL SENSORY. Identifiers: Orphanet 970, MedGen C2752089, MONDO:0024309, OMIM 201300.
Pseudohypoaldosteronism type 2C (PHA2C). Also called: Pseudohypoaldosteronism Type IIC. Identifiers: Orphanet 757, Orphanet 88940, MedGen C1840391, MONDO:0013778, OMIM 614492.

Allele frequency attached by ClinVar (database versions not stated): 1000 Genomes Project 30x 0.09275; 1000 Genomes Project 0.09345; TOPMed 0.10694; ESP Exome Variant Server 0.11368; gnomAD 0.12417 and 0.12525; gnomAD exomes 0.14604; ExAC 0.14923.
gnomAD v4.1: 237,282 of 1,600,484 alleles (15%); highest among the groups gnomAD compares: Middle Eastern, 20%; 19,311 homozygotes.

Submissions (11):

Labcorp Genetics (formerly Invitae), Labcorp
Classification: Benign for Neuropathy, hereditary sensory and autonomic, type 2A; Pseudohypoaldosteronism type 2C. Last evaluated: 2026-02-04. Review status: criteria provided, single submitter. Criteria: Invitae Variant Classification Sherloc (09022015). Collection method: clinical testing. Allele origin: germline.

Blueprint Genetics
Classification: Benign. Last evaluated: 2024-11-27. Review status: criteria provided, single submitter. Criteria: ACMG Guidelines, 2015. Collection method: clinical testing. Allele origin: germline.

Genome-Nilou Lab
Classification: Benign for Neuropathy, hereditary sensory and autonomic, type 2A. Last evaluated: 2021-07-14. Review status: criteria provided, single submitter. Criteria: ACMG Guidelines, 2015. Collection method: clinical testing. Allele origin: germline. Affected: no.

Illumina Laboratory Services, Illumina
Classification: Benign for Pseudohypoaldosteronism type 2C. Last evaluated: 2018-01-13. Review status: criteria provided, single submitter. Criteria: ICSL Variant Classification Criteria 13 December 2019. Collection method: clinical testing. Allele origin: germline.
Comment: This variant was observed in the ICSL laboratory as part of a predisposition screen in an ostensibly healthy population. It had not been previously curated by ICSL or reported in the Human Gene Mutation Database (HGMD: prior to June 1st, 2018), and was therefore a candidate for classification through an automated scoring system. Utilizing variant allele frequency, disease prevalence and penetrance estimates, and inheritance mode, an automated score was calculated to assess if this variant is too frequent to cause the disease. Based on the score and internal cut-off values, a variant classified as benign is not then subjected to further curation. The score for this variant resulted in a classification of benign for this disease.

GeneDx
Classification: Benign. Last evaluated: 2014-03-07. Review status: criteria provided, single submitter. Criteria: GeneDx Variant Classification (06012015). Collection method: clinical testing. Allele origin: germline. Affected: yes.
Comment: This variant is considered likely benign or benign based on one or more of the following criteria: it is a conservative change, it occurs at a poorly conserved position in the protein, it is predicted to be benign by multiple in silico algorithms, and/or has population frequency not consistent with disease.

Breakthrough Genomics
Classification: Benign. Review status: criteria provided, single submitter. Criteria: ACMG Guidelines, 2015. Collection method: not provided. Allele origin: germline. Inheritance: Autosomal recessive inheritance. Affected: yes.

PreventionGenetics, part of Exact Sciences
Classification: Benign. Review status: criteria provided, single submitter. Criteria: ACMG Guidelines, 2015. Collection method: clinical testing. Allele origin: germline.

Clinical Genetics, Academic Medical Center
Classification: Benign. Review status: no assertion criteria provided. Collection method: clinical testing. Allele origin: germline. Affected: yes. Study: VKGL Data-share Consensus. Not counted in ClinVar's aggregate classification.

Dr. Peter K. Rogan Lab, Western University
No classification provided (evidence only). Condition: Familial cancer of breast. Review status: no classification provided. Collection method: in vitro. Allele origin: not applicable. Functional consequence: retained intron. Not counted in ClinVar's aggregate classification.

Dr. Peter K. Rogan Lab, Western University
No classification provided (evidence only). Condition: Uterine carcinosarcoma. Review status: no classification provided. Collection method: in vitro. Allele origin: not applicable. Functional consequence: retained intron. Not counted in ClinVar's aggregate classification.

Joint Genome Diagnostic Labs from Nijmegen and Maastricht, Radboudumc and MUMC+
Classification: Benign. Review status: no assertion criteria provided. Collection method: clinical testing. Allele origin: germline. Affected: yes. Study: VKGL Data-share Consensus. Not counted in ClinVar's aggregate classification.

NM_018979.4(WNK1):c.1401-11C>A

Gene: WNK1 (WNK lysine deficient protein kinase 1; plus strand). Cytogenetic location: 12p13.33.
Variant type: single nucleotide variant.
Coding change: c.1401-11C>A on transcript NM_018979.4 (MANE Select); 11 bases into the intron before coding-DNA position 1401, C replaced by A.
Molecular consequence: intron variant.
Genome position (GRCh38, 1-based): chr12:859,234, C>A. VCF-style: chr12-859234-C-A. GRCh37 (hg19) VCF-style: chr12-968400-C-A.
Other names: c.1401-11C>A (NM_213655.5, NM_001184985.2, NM_014823.3).
Identifiers: ClinVar variation 137922 (VCV000137922.23), dbSNP rs11064573, ClinGen allele CA291631.
Genomic context (GRCh38, chr12:859,234, plus strand): 5'-CATTTGAAAATTATTTTTTCAAACTAATGGTGTTTTATTTTTGTTCCTTTTCTTTTCCCT[C>A]TGTTTGGAAGATATTCCATCAAAGACCTTTTGAACCATGCCTTCTTCCAAGAGGAAACAG-3'